The following is an entry in ClinVar:

ClinVar aggregate classification (germline): Uncertain significance (1 of 4 stars; one submission).

Conditions:
Hereditary cancer-predisposing syndrome. Also called: Hereditary neoplastic syndrome; Neoplastic Syndromes, Hereditary; Tumor predisposition; Hereditary Cancer Syndrome. Identifiers: Orphanet 140162, MedGen C0027672, MeSH D009386, MONDO:0015356.

Submission:

Ambry Genetics
Classification: Uncertain significance for Hereditary cancer-predisposing syndrome. Last evaluated: 2021-02-03. Review status: criteria provided, single submitter. Criteria: Ambry Variant Classification Scheme 2023. Collection method: clinical testing. Allele origin: germline.
Comment: The c.98delA variant, located in coding exon 1 of the CDKN2A (p14ARF) gene, results from a deletion of one nucleotide at nucleotide position 98, causing a translational frameshift with a predicted alternate stop codon (p.E33Gfs*15). This alteration is expected to result in premature protein truncation or nonsense-mediated mRNA decay. However, loss of function of has not been clearly established as a mechanism of disease for the p14 isoform of CDKN2A. Since supporting evidence is limited at this time, the clinical significance of this alteration remains unclear.

NM_058195.4(CDKN2A):c.98del (p.Glu33fs)

Gene: CDKN2A (cyclin dependent kinase inhibitor 2A; minus strand). Cytogenetic location: 9p21.3.
Variant type: Deletion.
Coding change: c.98del on transcript NM_058195.4 (MANE Plus Clinical); coding-DNA position 98, one base deleted (A; older notation c.98delA).
Protein change: p.Glu33fs; shifts the reading frame from glutamic acid 33.
Molecular consequence: frameshift variant. On other transcripts: intron variant (1).
Genome position (GRCh38, 1-based): chr9:21,994,234, T deleted on the plus strand (A on the coding strand, the reverse complement: CDKN2A is on the minus strand). VCF-style (leftmost placement, unchanged base first): chr9-21994233-CT-C. GRCh37 (hg19) VCF-style: chr9-21994232-CT-C.
Other names: c.-4+587del (NM_001363763.2); short protein forms E33fs.
Identifiers: ClinVar variation 1768549 (VCV001768549.2), dbSNP rs2489327518, ClinGen allele CA2580080297.